The following is an entry in ClinVar:

ClinVar aggregate classification (germline): Uncertain significance (1 of 4 stars; one submission).

Conditions:
Hereditary cancer-predisposing syndrome. Also called: Tumor predisposition; Neoplastic Syndromes, Hereditary; Hereditary Cancer Syndrome; Hereditary neoplastic syndrome. Identifiers: Orphanet 140162, MedGen C0027672, MeSH D009386, MONDO:0015356.

Submission:

Ambry Genetics
Classification: Uncertain significance for Hereditary cancer-predisposing syndrome. Last evaluated: 2024-07-31. Review status: criteria provided, single submitter. Criteria: Ambry Variant Classification Scheme 2023. Collection method: clinical testing. Allele origin: germline.
Comment: The p.N1132I variant (also known as c.3395A>T), located in coding exon 9 of the BRCA1 gene, results from an A to T substitution at nucleotide position 3395. The asparagine at codon 1132 is replaced by isoleucine, an amino acid with dissimilar properties. This amino acid position is conserved. In addition, the in silico prediction for this alteration is inconclusive. Based on the available evidence, the clinical significance of this variant remains unclear.

NM_007294.4(BRCA1):c.3395A>T (p.Asn1132Ile)

Genes: BRCA1 (BRCA1 DNA repair associated; minus strand), LOC126862571 (BRD4-independent group 4 enhancer GRCh37_chr17:41243136-41244335; plus strand). Cytogenetic location: 17q21.31.
Variant type: single nucleotide variant.
Coding change: c.3395A>T on transcript NM_007294.4 (MANE Select); coding-DNA position 3395, A replaced by T.
Protein change: p.Asn1132Ile; replaces asparagine 1132 with isoleucine.
Molecular consequence: missense variant. On other transcripts: intron variant (135).
Genome position (GRCh38, 1-based): chr17:43,092,136, T>A on the plus strand (A>T on the coding strand, the complement: BRCA1 is on the minus strand). VCF-style: chr17-43092136-T-A. GRCh37 (hg19) VCF-style: chr17-41244153-T-A.
Other names: c.3272A>T, p.Asn1091Ile (NM_001407665.1, NM_001407666.1, NM_001407667.1 and 19 more transcripts); c.785-1104A>T (NM_001408402.1, NM_001408473.1, NM_001408399.1 and 13 more transcripts); c.788-1104A>T (NM_001408403.1, NM_001407975.1, NM_001407983.1 and 17 more transcripts); c.671-1104A>T (NM_001408419.1, NM_001408423.1, NM_001408420.1 and 2 more transcripts); c.665-1104A>T (NM_001408443.1, NM_001408439.1, NM_001408425.1 and 12 more transcripts); c.3269A>T, p.Asn1090Ile (NM_001407670.1, NM_001407671.1, NM_001407672.1 and 11 more transcripts); c.3182A>T, p.Asn1061Ile (NM_001407571.1, NM_001407853.1, NM_001407894.1 and 9 more transcripts); c.3395A>T, p.Asn1132Ile (NM_001407581.1, NM_001407582.1, NM_001407583.1 and 30 more transcripts); and 41 more; short protein forms N1064I, N1065I, N1131I, N1004I, N1020I, N1021I, N1084I, N1091I.
Identifiers: ClinVar variation 3481831 (VCV003481831.1).
Genomic context (GRCh38, chr17:43,092,136, plus strand): 5'-TCATCAGGTGTCTCAGAACAAACCTGAGATGCATGACTACTTCCCATAGGCTGTTCTAAG[T>A]TATCTGAAATCAGATATGGAGAGAAATCTGTATTAACAGTCTGAACTACTTCTTCATATT-3'
Protein context (NP_009225.1, residues 1122-1142): TDFSPYLISD[Asn1132Ile]LEQPMGSSHA